The following is an entry in ClinVar:

ClinVar aggregate classification (germline): Uncertain significance. Review status: criteria provided, single submitter (1 of 4 stars). 2 submissions from 2 submitters: Uncertain significance (1). 1 of the submissions does not count toward it. Last evaluated 2024-10-24.

Conditions:
Mitochondrial complex I deficiency, nuclear type 11. Also called: Mitochondrial complex 1 deficiency, nuclear type 11. Identifiers: MedGen C4748769, MONDO:0032617, OMIM 618234.

Allele frequency attached by ClinVar (database versions not stated): ExAC 0.00001; gnomAD exomes 0.00001.

Submissions (2):

Labcorp Genetics (formerly Invitae), Labcorp
Classification: Uncertain significance. Last evaluated: 2024-10-24. Review status: criteria provided, single submitter. Criteria: Invitae Variant Classification Sherloc (09022015). Collection method: clinical testing. Allele origin: germline.
Comment: This sequence change replaces lysine, which is basic and polar, with arginine, which is basic and polar, at codon 253 of the NDUFAF1 protein (p.Lys253Arg). This variant is present in population databases (rs387906957, gnomAD 0.003%). This missense change has been observed in individual(s) with mitochondrial complex I deficiency (PMID: 17557076). This variant is also known as c.1140A>G. ClinVar contains an entry for this variant (Variation ID: 30623). An algorithm developed to predict the effect of missense changes on protein structure and function (PolyPhen-2) suggests that this variant is likely to be tolerated. Algorithms developed to predict the effect of sequence changes on RNA splicing suggest that this variant may disrupt the consensus splice site. In summary, the available evidence is currently insufficient to determine the role of this variant in disease. Therefore, it has been classified as a Variant of Uncertain Significance.

OMIM
Classification: Pathogenic for MITOCHONDRIAL COMPLEX I DEFICIENCY, NUCLEAR TYPE 11. Last evaluated: 2007-07-11. Review status: no assertion criteria provided. Collection method: literature only. Allele origin: germline. Not counted in ClinVar's aggregate classification.

Literature cited by the submitters: PubMed 17557076 (cited by Labcorp Genetics (formerly Invitae), Labcorp and OMIM).

NM_016013.4(NDUFAF1):c.758A>G (p.Lys253Arg)

Gene: NDUFAF1 (NADH:ubiquinone oxidoreductase complex assembly factor 1; minus strand). Cytogenetic location: 15q15.1.
Variant type: single nucleotide variant.
Coding change: c.758A>G on transcript NM_016013.4 (MANE Select); coding-DNA position 758, A replaced by G.
Protein change: p.Lys253Arg; replaces lysine 253 with arginine.
Molecular consequence: missense variant. On other transcripts: non-coding transcript variant (1).
Genome position (GRCh38, 1-based): chr15:41,394,860, T>C on the plus strand (A>G on the coding strand, the complement: NDUFAF1 is on the minus strand). VCF-style: chr15-41394860-T-C. GRCh37 (hg19) VCF-style: chr15-41687058-T-C.
Other names: short protein forms K253R.
Identifiers: ClinVar variation 30623 (VCV000030623.5), dbSNP rs387906957, ClinGen allele CA129372.